The following is an entry in ClinVar:

ClinVar aggregate classification (germline): Uncertain significance (1 of 4 stars; one submission).

gnomAD v4.1: 14 of 1,613,712 alleles (0.00087%); highest among the groups gnomAD compares: Non-Finnish European, 0.0012%; no homozygotes.

Submission:

Labcorp Genetics (formerly Invitae), Labcorp
Classification: Uncertain significance. Last evaluated: 2025-04-11. Review status: criteria provided, single submitter. Criteria: Invitae Variant Classification Sherloc (09022015). Collection method: clinical testing. Allele origin: germline.
Comment: This sequence change falls in intron 23 of the SNRNP200 gene. It does not directly change the encoded amino acid sequence of the SNRNP200 protein. It affects a nucleotide within the consensus splice site. This variant is present in population databases (rs746762207, gnomAD 0.002%). This variant has not been reported in the literature in individuals affected with SNRNP200-related conditions. Variants that disrupt the consensus splice site are a relatively common cause of aberrant splicing (PMID: 17576681, 9536098). Algorithms developed to predict the effect of sequence changes on RNA splicing suggest that this variant is not likely to affect RNA splicing. In summary, the available evidence is currently insufficient to determine the role of this variant in disease. Therefore, it has been classified as a Variant of Uncertain Significance.

Literature cited by the submitters: PubMed 17576681; PubMed 9536098.

NM_014014.5(SNRNP200):c.3175-3C>T

Gene: SNRNP200 (small nuclear ribonucleoprotein U5 subunit 200; minus strand). Cytogenetic location: 2q11.2.
Variant type: single nucleotide variant.
Coding change: c.3175-3C>T on transcript NM_014014.5 (MANE Select); 3 bases into the intron before coding-DNA position 3175, C replaced by T.
Molecular consequence: intron variant.
Genome position (GRCh38, 1-based): chr2:96,288,749, G>A on the plus strand (C>T on the coding strand, the complement: SNRNP200 is on the minus strand). VCF-style: chr2-96288749-G-A. GRCh37 (hg19) VCF-style: chr2-96954487-G-A.
Identifiers: ClinVar variation 4696308 (VCV004696308.1).